The following is an entry in ClinVar:

NM_033380.3(COL4A5):c.2509+1G>T

Gene: COL4A5 (collagen type IV alpha 5 chain; plus strand). Cytogenetic location: Xq22.3.
Variant type: single nucleotide variant.
Coding change: c.2509+1G>T on transcript NM_033380.3 (MANE Select); the canonical splice donor site of the intron after coding-DNA position 2509, G replaced by T.
Molecular consequence: splice donor variant.
Genome position (GRCh38, 1-based): chrX:108,615,025, G>T. VCF-style: chrX-108615025-G-T. GRCh37 (hg19) VCF-style: chrX-107858255-G-T.
Other names: c.2509+1G>T (NM_000495.5).
Identifiers: ClinVar variation 2737345 (VCV002737345.4), dbSNP rs1556418287, ClinGen allele CA413850277.

ClinVar aggregate classification (germline): Likely pathogenic. Review status: criteria provided, multiple submitters, no conflicts (2 of 4 stars). 2 submissions from 2 submitters: Likely pathogenic (2). Last evaluated 2024-05-30.

Conditions:
X-linked Alport syndrome (ATS1). Also called: COL4A5-Related Nephropathy; NEPHROPATHY AND DEAFNESS, X-LINKED. Identifiers: Orphanet 63, Orphanet 88917, MedGen C4746986, MONDO:0010520, OMIM 301050.

Submissions (2):

Fulgent Genetics
Classification: Likely pathogenic for X-linked Alport syndrome. Last evaluated: 2024-05-30. Review status: criteria provided, single submitter. Criteria: ACMG Guidelines, 2015. Collection method: clinical testing. Allele origin: germline.

Labcorp Genetics (formerly Invitae), Labcorp
Classification: Likely pathogenic. Last evaluated: 2023-04-06. Review status: criteria provided, single submitter. Criteria: Invitae Variant Classification Sherloc (09022015). Collection method: clinical testing. Allele origin: germline.
Comment: This sequence change affects a donor splice site in intron 30 of the COL4A5 gene. It is expected to disrupt RNA splicing. Variants that disrupt the donor or acceptor splice site typically lead to a loss of protein function (PMID: 16199547), and loss-of-function variants in COL4A5 are known to be pathogenic (PMID: 9195222, 10752524, 14514738, 24854265, 26809805). This variant is not present in population databases (gnomAD no frequency). Disruption of this splice site has been observed in individual(s) with clinical features of X-linked Alport syndrome (Invitae). Algorithms developed to predict the effect of sequence changes on RNA splicing suggest that this variant may disrupt the consensus splice site. In summary, the currently available evidence indicates that the variant is pathogenic, but additional data are needed to prove that conclusively. Therefore, this variant has been classified as Likely Pathogenic.

Literature cited by the submitters: PubMed 16199547 (cited by Labcorp Genetics (formerly Invitae), Labcorp); PubMed 9195222 (cited by Labcorp Genetics (formerly Invitae), Labcorp); PubMed 10752524 (cited by Labcorp Genetics (formerly Invitae), Labcorp); PubMed 14514738 (cited by Labcorp Genetics (formerly Invitae), Labcorp); PubMed 24854265 (cited by Labcorp Genetics (formerly Invitae), Labcorp); PubMed 26809805 (cited by Labcorp Genetics (formerly Invitae), Labcorp).